The following is an entry in ClinVar:

NM_001145860.2(POP1):c.734A>T (p.Gln245Leu)

Gene: POP1 (POP1 ribonuclease P/MRP subunit; plus strand). Cytogenetic location: 8q22.2.
Variant type: single nucleotide variant.
Coding change: c.734A>T on transcript NM_001145860.2 (MANE Select); coding-DNA position 734, A replaced by T.
Protein change: p.Gln245Leu; replaces glutamine 245 with leucine.
Molecular consequence: missense variant.
Genome position (GRCh38, 1-based): chr8:98,130,225, A>T. VCF-style: chr8-98130225-A-T. GRCh37 (hg19) VCF-style: chr8-99142453-A-T.
Other names: c.734A>T (NM_015029.2); c.734A>T, p.Gln245Leu (NM_001145861.2, NM_015029.3); short protein forms Q245L.
Identifiers: ClinVar variation 1930942 (VCV001930942.5), dbSNP rs761289283, ClinGen allele CA4820388.

ClinVar aggregate classification (germline): Uncertain significance. Review status: criteria provided, multiple submitters, no conflicts (2 of 4 stars). 3 submissions from 3 submitters: Uncertain significance (3). Last evaluated 2025-07-15.

Conditions:
Inborn genetic diseases. Identifiers: MedGen C0950123, MeSH D030342.

Allele frequency attached by ClinVar (database versions not stated): ExAC 0.00003; gnomAD 0.00003.
gnomAD v4.1: 38 of 1,614,082 alleles (0.0024%); highest among the groups gnomAD compares: Middle Eastern, 0.016%; no homozygotes.

Submissions (3):

Ambry Genetics
Classification: Uncertain significance for Inborn genetic diseases. Last evaluated: 2025-07-15. Review status: criteria provided, single submitter. Criteria: Ambry Variant Classification Scheme 2023. Collection method: clinical testing. Allele origin: germline.

Blueprint Genetics
Classification: Uncertain significance. Last evaluated: 2024-03-22. Review status: criteria provided, single submitter. Criteria: ACMG Guidelines, 2015. Collection method: clinical testing. Allele origin: germline.

Labcorp Genetics (formerly Invitae), Labcorp
Classification: Uncertain significance. Last evaluated: 2021-12-29. Review status: criteria provided, single submitter. Criteria: Invitae Variant Classification Sherloc (09022015). Collection method: clinical testing. Allele origin: germline.
Comment: This variant is present in population databases (rs761289283, gnomAD 0.006%). This sequence change replaces glutamine, which is neutral and polar, with leucine, which is neutral and non-polar, at codon 245 of the POP1 protein (p.Gln245Leu). This variant has not been reported in the literature in individuals affected with POP1-related conditions. In summary, the available evidence is currently insufficient to determine the role of this variant in disease. Therefore, it has been classified as a Variant of Uncertain Significance. Algorithms developed to predict the effect of sequence changes on RNA splicing suggest that this variant may disrupt the consensus splice site. Algorithms developed to predict the effect of missense changes on protein structure and function are either unavailable or do not agree on the potential impact of this missense change (SIFT: "Tolerated"; PolyPhen-2: "Possibly Damaging"; Align-GVGD: "Class C0").